The following is an entry in ClinVar:

NM_198994.3(TGM6):c.1618C>T (p.Arg540Cys)

Gene: TGM6 (transglutaminase 6; plus strand). Cytogenetic location: 20p13.
Variant type: single nucleotide variant.
Coding change: c.1618C>T on transcript NM_198994.3 (MANE Select); coding-DNA position 1618, C replaced by T.
Protein change: p.Arg540Cys; replaces arginine 540 with cysteine.
Molecular consequence: missense variant.
Genome position (GRCh38, 1-based): chr20:2,417,513, C>T. VCF-style: chr20-2417513-C-T. GRCh37 (hg19) VCF-style: chr20-2398159-C-T.
Other names: c.1618C>T, p.Arg540Cys (NM_001254734.2); short protein forms R540C.
Identifiers: ClinVar variation 1988514 (VCV001988514.4), dbSNP rs772659335, ClinGen allele CA310850401.

ClinVar aggregate classification (germline): Uncertain significance (1 of 4 stars; one submission).

gnomAD v4.1: 212 of 1,607,138 alleles (0.013%); highest among the groups gnomAD compares: Non-Finnish European, 0.018%; no homozygotes.

Submission:

Labcorp Genetics (formerly Invitae), Labcorp
Classification: Uncertain significance. Last evaluated: 2024-11-13. Review status: criteria provided, single submitter. Criteria: Invitae Variant Classification Sherloc (09022015). Collection method: clinical testing. Allele origin: germline.
Comment: This sequence change replaces arginine, which is basic and polar, with cysteine, which is neutral and slightly polar, at codon 540 of the TGM6 protein (p.Arg540Cys). This variant is present in population databases (rs772659335, gnomAD 0.006%). This variant has not been reported in the literature in individuals affected with TGM6-related conditions. ClinVar contains an entry for this variant (Variation ID: 1988514). Invitae Evidence Modeling of protein sequence and biophysical properties (such as structural, functional, and spatial information, amino acid conservation, physicochemical variation, residue mobility, and thermodynamic stability) indicates that this missense variant is expected to disrupt TGM6 protein function with a positive predictive value of 80%. In summary, the available evidence is currently insufficient to determine the role of this variant in disease. Therefore, it has been classified as a Variant of Uncertain Significance.